The following is an entry in ClinVar:

ClinVar aggregate classification (germline): Uncertain significance. Review status: criteria provided, multiple submitters, no conflicts (2 of 4 stars). 2 submissions from 2 submitters: Uncertain significance (2). Last evaluated 2023-10-05.

Conditions:
Inborn genetic diseases. Identifiers: MedGen C0950123, MeSH D030342.

Allele frequency attached by ClinVar (database versions not stated): gnomAD 0.00001; gnomAD exomes 0.00009; ExAC 0.00015.

Submissions (2):

Ambry Genetics
Classification: Uncertain significance for Inborn genetic diseases. Last evaluated: 2023-10-05. Review status: criteria provided, single submitter. Criteria: Ambry Variant Classification Scheme 2023. Collection method: clinical testing. Allele origin: germline.

GeneDx
Classification: Uncertain significance. Last evaluated: 2019-09-24. Review status: criteria provided, single submitter. Criteria: GeneDx Variant Classification Process June 2021. Collection method: clinical testing. Allele origin: germline. Affected: yes.
Comment: In silico analysis, which includes protein predictors and evolutionary conservation, supports that this variant does not alter protein structure/function; Has not been previously published as pathogenic or benign to our knowledge

NM_000523.4(HOXD13):c.241G>A (p.Glu81Lys)

Gene: HOXD13 (homeobox D13; plus strand). Cytogenetic location: 2q31.1.
Variant type: single nucleotide variant.
Coding change: c.241G>A on transcript NM_000523.4 (MANE Select); coding-DNA position 241, G replaced by A.
Protein change: p.Glu81Lys; replaces glutamic acid 81 with lysine.
Molecular consequence: missense variant.
Genome position (GRCh38, 1-based): chr2:176,093,131, G>A. VCF-style: chr2-176093131-G-A. GRCh37 (hg19) VCF-style: chr2-176957859-G-A.
Other names: short protein forms E81K.
Identifiers: ClinVar variation 1312386 (VCV001312386.3), dbSNP rs777926146, ClinGen allele CA1976551.